The following is an entry in ClinVar:

NM_181486.4(TBX5):c.164_165del (p.Lys55fs)

Gene: TBX5 (T-box transcription factor 5; minus strand). Cytogenetic location: 12q24.21.
Variant type: Deletion.
Coding change: c.164_165del on transcript NM_181486.4 (MANE Select); coding-DNA positions 164 to 165, 2 bases deleted (AA; older notation c.164_165delAA).
Protein change: p.Lys55fs; shifts the reading frame from lysine 55.
Molecular consequence: frameshift variant.
Genome position (GRCh38, 1-based): chr12:114,401,903-114,401,904, TT deleted on the plus strand (AA on the coding strand, the reverse complement: TBX5 is on the minus strand); deleting any 2 consecutive bases within chr12:114,401,903-114,401,905 gives the same sequence; the c. name uses the placement nearest the transcript's 3' end. VCF-style (leftmost placement, unchanged base first): chr12-114401902-CTT-C. GRCh37 (hg19) VCF-style: chr12-114839707-CTT-C.
Other names: c.164_165del, p.Lys55fs (NM_000192.3); c.14_15del, p.Lys5fs (NM_080717.4); c.164_165delAA (NM_000192.3); short protein forms K55fs, K5fs.
Identifiers: ClinVar variation 452461 (VCV000452461.2), dbSNP rs1555226588, ClinGen allele CA658658170.

ClinVar aggregate classification (germline): Pathogenic (1 of 4 stars; one submission).

Submission:

GeneDx
Classification: Pathogenic. Last evaluated: 2017-10-09. Review status: criteria provided, single submitter. Criteria: GeneDx Variant Classification (06012015). Collection method: clinical testing. Allele origin: germline. Affected: yes.
Comment: The c.164_165delAA pathogenic variant in the TBX5 gene causes a frameshift starting with codon Lysine 55, changes this amino acid to a Serine residue and creates a premature Stop codon at position 5 of the new reading frame, denoted p.Lys55SerfsX5. This variant is predicted to cause loss of normal protein function either through protein truncation or nonsense-mediated mRNA decay. The c.164_165delAA variant is not observed in large population cohorts (Lek et al., 2016). Therefore, although this pathogenic variant has not been previously reported to our knowledge, we consider this variant pathogenic.